The following is an entry in ClinVar:

NM_013339.4(ALG6):c.1326+6T>A

Gene: ALG6 (ALG6 alpha-1,3-glucosyltransferase; plus strand). Cytogenetic location: 1p31.3.
Variant type: single nucleotide variant.
Coding change: c.1326+6T>A on transcript NM_013339.4 (MANE Select); 6 bases into the intron after coding-DNA position 1326, T replaced by A.
Molecular consequence: intron variant.
Genome position (GRCh38, 1-based): chr1:63,429,132, T>A. VCF-style: chr1-63429132-T-A. GRCh37 (hg19) VCF-style: chr1-63894803-T-A.
Identifiers: ClinVar variation 1419510 (VCV001419510.3), dbSNP rs765364882, ClinGen allele CA888418.

ClinVar aggregate classification (germline): Uncertain significance (1 of 4 stars; one submission).

Conditions:
ALG6-congenital disorder of glycosylation 1C (CDG1C). Also called: CDG Ic; Congenital disorder of glycosylation type 1C; CARBOHYDRATE-DEFICIENT GLYCOPROTEIN SYNDROME, TYPE I, WITH DEFICIENT GLYCOSYLATION OF DOLICHOL-LINKED OLIGOSACCHARIDE; CARBOHYDRATE-DEFICIENT GLYCOPROTEIN SYNDROME, TYPE V; Congenital disorder of glycosylation, type Ic. Identifiers: Orphanet 79320, MedGen C2930997, MONDO:0011291, OMIM 603147.

Allele frequency attached by ClinVar (database versions not stated): gnomAD exomes 0.00001; ExAC 0.00003.
gnomAD v4.1: 9 of 1,576,368 alleles (0.00057%); highest among the groups gnomAD compares: South Asian, 0.01%; no homozygotes.

Submission:

Labcorp Genetics (formerly Invitae), Labcorp
Classification: Uncertain significance for ALG6-congenital disorder of glycosylation 1C. Last evaluated: 2022-01-21. Review status: criteria provided, single submitter. Criteria: Invitae Variant Classification Sherloc (09022015). Collection method: clinical testing. Allele origin: germline.
Comment: This sequence change falls in intron 14 of the ALG6 gene. It does not directly change the encoded amino acid sequence of the ALG6 protein. It affects a nucleotide within the consensus splice site. This variant is present in population databases (rs765364882, gnomAD 0.01%). This variant has not been reported in the literature in individuals affected with ALG6-related conditions. Variants that disrupt the consensus splice site are a relatively common cause of aberrant splicing (PMID: 17576681, 9536098). Algorithms developed to predict the effect of sequence changes on RNA splicing suggest that this variant may disrupt the consensus splice site. In summary, the available evidence is currently insufficient to determine the role of this variant in disease. Therefore, it has been classified as a Variant of Uncertain Significance.

Literature cited by the submitters: PubMed 17576681; PubMed 9536098.